The following is an entry in ClinVar:

ClinVar aggregate classification (germline): Uncertain significance (1 of 4 stars; one submission).

Submission:

Labcorp Genetics (formerly Invitae), Labcorp
Classification: Uncertain significance. Last evaluated: 2023-02-16. Review status: criteria provided, single submitter. Criteria: Invitae Variant Classification Sherloc (09022015). Collection method: clinical testing. Allele origin: germline.
Comment: This sequence change falls in intron 3 of the ZHX3 gene. It does not directly change the encoded amino acid sequence of the ZHX3 protein. This variant is not present in population databases (gnomAD no frequency). This variant has not been reported in the literature in individuals affected with ZHX3-related conditions. Algorithms developed to predict the effect of sequence changes on RNA splicing suggest that this variant may disrupt the consensus splice site. In summary, the available evidence is currently insufficient to determine the role of this variant in disease. Therefore, it has been classified as a Variant of Uncertain Significance.

NM_001384317.1(ZHX3):c.2861-11T>C

Gene: ZHX3 (zinc fingers and homeoboxes 3; minus strand). Cytogenetic location: 20q12.
Variant type: single nucleotide variant.
Coding change: c.2861-11T>C on transcript NM_001384317.1 (MANE Select); 11 bases into the intron before coding-DNA position 2861, T replaced by C.
Molecular consequence: intron variant.
Genome position (GRCh38, 1-based): chr20:41,185,212, A>G on the plus strand (T>C on the coding strand, the complement: ZHX3 is on the minus strand). VCF-style: chr20-41185212-A-G. GRCh37 (hg19) VCF-style: chr20-39813852-A-G.
Other names: c.*50-11T>C (NM_001384325.1); c.2861-11T>C (NM_001384316.1, NM_001384319.1, NM_001384320.1 and 6 more transcripts); c.2635-11T>C (NM_001384324.1).
Identifiers: ClinVar variation 2837788 (VCV002837788.3), dbSNP rs2515622186, ClinGen allele CA2739277160.